The following is an entry in ClinVar:

ClinVar aggregate classification (germline): Uncertain significance (1 of 4 stars; one submission).

Allele frequency attached by ClinVar (database versions not stated): gnomAD exomes below 0.00001.
gnomAD v4.1: 1 of 1,614,148 alleles (0.000062%); highest among the groups gnomAD compares: Non-Finnish European, 0.000085%; no homozygotes.

Submission:

Labcorp Genetics (formerly Invitae), Labcorp
Classification: Uncertain significance. Last evaluated: 2022-02-08. Review status: criteria provided, single submitter. Criteria: Invitae Variant Classification Sherloc (09022015). Collection method: clinical testing. Allele origin: germline.
Comment: In summary, the available evidence is currently insufficient to determine the role of this variant in disease. Therefore, it has been classified as a Variant of Uncertain Significance. Algorithms developed to predict the effect of missense changes on protein structure and function (SIFT, PolyPhen-2, Align-GVGD) all suggest that this variant is likely to be disruptive. This variant has not been reported in the literature in individuals affected with BRD4-related conditions. This variant is not present in population databases (gnomAD no frequency). This sequence change replaces alanine, which is neutral and non-polar, with glycine, which is neutral and non-polar, at codon 443 of the BRD4 protein (p.Ala443Gly).

NM_001379291.1(BRD4):c.1328C>G (p.Ala443Gly)

Gene: BRD4 (bromodomain containing 4; minus strand). Cytogenetic location: 19p13.12.
Variant type: single nucleotide variant.
Coding change: c.1328C>G on transcript NM_001379291.1 (MANE Select); coding-DNA position 1328, C replaced by G.
Protein change: p.Ala443Gly; replaces alanine 443 with glycine.
Molecular consequence: missense variant.
Genome position (GRCh38, 1-based): chr19:15,263,433, G>C on the plus strand (C>G on the coding strand, the complement: BRD4 is on the minus strand). VCF-style: chr19-15263433-G-C. GRCh37 (hg19) VCF-style: chr19-15374244-G-C.
Other names: c.1328C>G, p.Ala443Gly (NM_001330384.2, NM_001379292.1, NM_014299.3 and 1 more transcripts); short protein forms A443G.
Identifiers: ClinVar variation 2068636 (VCV002068636.4), dbSNP rs2145595387, ClinGen allele CA404483739.